The following is an entry in ClinVar:

ClinVar aggregate classification (germline): Uncertain significance (1 of 4 stars; one submission).

Allele frequency attached by ClinVar (database versions not stated): gnomAD 0.00002; TOPMed 0.00006; ESP Exome Variant Server 0.00008.

Submission:

Labcorp Genetics (formerly Invitae), Labcorp
Classification: Uncertain significance. Last evaluated: 2022-07-25. Review status: criteria provided, single submitter. Criteria: Invitae Variant Classification Sherloc (09022015). Collection method: clinical testing. Allele origin: germline.
Comment: In summary, the available evidence is currently insufficient to determine the role of this variant in disease. Therefore, it has been classified as a Variant of Uncertain Significance. Advanced modeling of protein sequence and biophysical properties (such as structural, functional, and spatial information, amino acid conservation, physicochemical variation, residue mobility, and thermodynamic stability) performed at Invitae indicates that this missense variant is not expected to disrupt KRT85 protein function. This variant has not been reported in the literature in individuals affected with KRT85-related conditions. This variant is present in population databases (rs147571563, gnomAD 0.02%). This sequence change replaces arginine, which is basic and polar, with histidine, which is basic and polar, at codon 258 of the KRT85 protein (p.Arg258His).

NM_002283.4(KRT85):c.773G>A (p.Arg258His)

Gene: KRT85 (keratin 85; minus strand). Cytogenetic location: 12q13.13.
Variant type: single nucleotide variant.
Coding change: c.773G>A on transcript NM_002283.4 (MANE Select); coding-DNA position 773, G replaced by A.
Protein change: p.Arg258His; replaces arginine 258 with histidine.
Molecular consequence: missense variant.
Genome position (GRCh38, 1-based): chr12:52,364,081, C>T on the plus strand (G>A on the coding strand, the complement: KRT85 is on the minus strand). VCF-style: chr12-52364081-C-T. GRCh37 (hg19) VCF-style: chr12-52757865-C-T.
Other names: c.137G>A, p.Arg46His (NM_001300810.1); short protein forms R46H, R258H.
Identifiers: ClinVar variation 2083962 (VCV002083962.4), dbSNP rs147571563, ClinGen allele CA6578159.